The following is an entry in ClinVar:

NM_005228.5(EGFR):c.88+2T>C

Gene: EGFR (epidermal growth factor receptor; plus strand). Cytogenetic location: 7p11.2.
Variant type: single nucleotide variant.
Coding change: c.88+2T>C on transcript NM_005228.5 (MANE Select); the canonical splice donor site of the intron after coding-DNA position 88, T replaced by C.
Molecular consequence: splice donor variant.
Genome position (GRCh38, 1-based): chr7:55,019,367, T>C. VCF-style: chr7-55019367-T-C. GRCh37 (hg19) VCF-style: chr7-55087060-T-C.
Other names: NC_000007.13:g.55087060T>C; c.88+2T>C (NM_001346897.2, NM_201284.2, NM_201282.2 and 4 more transcripts).
Identifiers: ClinVar variation 4247367 (VCV004247367.2).

ClinVar aggregate classification (germline): Uncertain significance (1 of 4 stars; one submission).

Conditions:
Hereditary cancer-predisposing syndrome. Also called: Hereditary Cancer Syndrome; Hereditary neoplastic syndrome; Neoplastic Syndromes, Hereditary; Tumor predisposition. Identifiers: Orphanet 140162, MedGen C0027672, MeSH D009386, MONDO:0015356.

Submissions (2):

Ambry Genetics
Classification: Uncertain significance for Hereditary cancer-predisposing syndrome. Last evaluated: 2025-09-10. Review status: criteria provided, single submitter. Criteria: Ambry Variant Classification Scheme 2023. Collection method: clinical testing. Allele origin: germline.
Comment: The c.88+2T>C intronic variant results from a T to C substitution two nucleotides after coding exon 1 in the EGFR gene. In silico splice site analysis predicts that this alteration will weaken the native splice donor site. Alterations that disrupt the canonical splice site are expected to cause aberrant splicing, resulting in an abnormal protein or a transcript that is subject to nonsense-mediated mRNA decay; however, +2T>C alterations are capable of generating wild-type transcripts in some genomic contexts and should be interpreted with caution (Lin JH et al. Hum Mutat. 2019 10;40:1856-1873). Based on the available evidence, the clinical significance of this alteration remains unclear.

Dr. Peter K. Rogan Lab, Western University
No classification provided (evidence only). Condition: Sarcoma. Review status: no classification provided. Collection method: in vitro. Allele origin: not applicable. Functional consequence: retained intron. Not counted in ClinVar's aggregate classification.